The following is an entry in ClinVar:

ClinVar aggregate classification (germline): Uncertain significance (1 of 4 stars; one submission).

gnomAD v4.1: 27 of 1,614,002 alleles (0.0017%); highest among the groups gnomAD compares: Non-Finnish European, 0.0022%; no homozygotes.

Submission:

Labcorp Genetics (formerly Invitae), Labcorp
Classification: Uncertain significance. Last evaluated: 2025-07-02. Review status: criteria provided, single submitter. Criteria: Invitae Variant Classification Sherloc (09022015). Collection method: clinical testing. Allele origin: germline.
Comment: This sequence change replaces valine, which is neutral and non-polar, with isoleucine, which is neutral and non-polar, at codon 589 of the DNAH9 protein (p.Val589Ile). This variant is present in population databases (rs781443832, gnomAD 0.006%). This variant has not been reported in the literature in individuals affected with DNAH9-related conditions. An algorithm developed to predict the effect of missense changes on protein structure and function outputs the following: PolyPhen-2: "Benign". The isoleucine amino acid residue is found in multiple mammalian species, which suggests that this missense change does not adversely affect protein function. In summary, the available evidence is currently insufficient to determine the role of this variant in disease. Therefore, it has been classified as a Variant of Uncertain Significance.

NM_001372.4(DNAH9):c.1765G>A (p.Val589Ile)

Gene: DNAH9 (dynein axonemal heavy chain 9; plus strand). Cytogenetic location: 17p12.
Variant type: single nucleotide variant.
Coding change: c.1765G>A on transcript NM_001372.4 (MANE Select); coding-DNA position 1765, G replaced by A.
Protein change: p.Val589Ile; replaces valine 589 with isoleucine.
Molecular consequence: missense variant.
Genome position (GRCh38, 1-based): chr17:11,636,763, G>A. VCF-style: chr17-11636763-G-A. GRCh37 (hg19) VCF-style: chr17-11540080-G-A.
Other names: short protein forms V589I.
Identifiers: ClinVar variation 4701529 (VCV004701529.1).